The following is an entry in ClinVar:

NM_015909.4(NBAS):c.1342-13_1362del

Gene: NBAS (NBAS subunit of NRZ tethering complex; minus strand). Cytogenetic location: 2p24.3.
Variant type: Deletion.
Coding change: c.1342-13_1362del on transcript NM_015909.4 (MANE Select); 13 bases into the intron before coding-DNA position 1342 through coding-DNA position 1362, 34 bases deleted.
Molecular consequence: splice acceptor variant.
Genome position (GRCh38, 1-based): chr2:15,474,304-15,474,337, 34 bases deleted; deleting any 34 consecutive bases within chr2:15,474,304-15,474,339 gives the same sequence; the c. name uses the placement nearest the transcript's 3' end. GRCh37 (hg19): chr2:15,614,430-15,614,463.
Identifiers: ClinVar variation 2112644 (VCV002112644.4), dbSNP rs2528139857, ClinGen allele CA2580063679.

ClinVar aggregate classification (germline): Likely pathogenic (1 of 4 stars; one submission).

Submission:

Labcorp Genetics (formerly Invitae), Labcorp
Classification: Likely pathogenic. Last evaluated: 2025-07-07. Review status: criteria provided, single submitter. Criteria: Invitae Variant Classification Sherloc (09022015). Collection method: clinical testing. Allele origin: germline.
Comment: This variant results in the deletion of part of exon 15 (c.1342-13_1362del) of the NBAS gene. It is expected to disrupt RNA splicing. Variants that disrupt the donor or acceptor splice site typically lead to a loss of protein function (PMID: 16199547), and loss-of-function variants in NBAS are known to be pathogenic (PMID: 26073778, 26541327, 27789416, 28031453). This variant is not present in population databases (gnomAD no frequency). This variant has not been reported in the literature in individuals affected with NBAS-related conditions. ClinVar contains an entry for this variant (Variation ID: 2112644). In summary, the currently available evidence indicates that the variant is pathogenic, but additional data are needed to prove that conclusively. Therefore, this variant has been classified as Likely Pathogenic.

Literature cited by the submitters: PubMed 16199547; PubMed 26073778; PubMed 26541327; PubMed 27789416; PubMed 28031453.